The following is an entry in ClinVar:

NM_016284.5(CNOT1):c.669C>T (p.Leu223=)

Gene: CNOT1 (CCR4-NOT transcription complex subunit 1; minus strand). Cytogenetic location: 16q21.
Variant type: single nucleotide variant.
Coding change: c.669C>T on transcript NM_016284.5 (MANE Select); coding-DNA position 669, C replaced by T.
Protein change: p.Leu223=; no amino-acid change (leucine 223 retained).
Molecular consequence: synonymous variant. On other transcripts: non-coding transcript variant (1).
Genome position (GRCh38, 1-based): chr16:58,585,475, G>A on the plus strand (C>T on the coding strand, the complement: CNOT1 is on the minus strand). VCF-style: chr16-58585475-G-A. GRCh37 (hg19) VCF-style: chr16-58619379-G-A.
Other names: c.669C>T, p.Leu223= (NM_001265612.2, NM_206999.3).
Identifiers: ClinVar variation 2646581 (VCV002646581.27), dbSNP rs377194842, ClinGen allele CA8090098.

ClinVar aggregate classification (germline): Likely benign. Review status: criteria provided, multiple submitters, no conflicts (2 of 4 stars). 2 submissions from 2 submitters: Likely benign (2). Last evaluated 2026-01-01.

Allele frequency attached by ClinVar (database versions not stated): ExAC 0.00006; gnomAD exomes 0.00008; TOPMed 0.00012; gnomAD 0.00013; ESP Exome Variant Server 0.00015.
gnomAD v4.1: 131 of 1,613,314 alleles (0.0081%); highest among the groups gnomAD compares: African/African-American, 0.027%; no homozygotes.

Submissions (2):

Labcorp Genetics (formerly Invitae), Labcorp
Classification: Likely benign. Last evaluated: 2026-01-01. Review status: criteria provided, single submitter. Criteria: Invitae Variant Classification Sherloc (09022015). Collection method: clinical testing. Allele origin: germline.

CeGaT Center for Human Genetics Tuebingen
Classification: Likely benign. Last evaluated: 2023-10-01. Review status: criteria provided, single submitter. Criteria: CeGaT Center For Human Genetics Tuebingen Variant Classification Criteria Version 2. Collection method: clinical testing. Allele origin: germline. Affected: yes. Observed: 1 variant allele.
Comment: CNOT1: BP4, BP7